The following is an entry in ClinVar:

ClinVar aggregate classification (germline): Pathogenic (1 of 4 stars; one submission).

Conditions:
Long QT syndrome (LQTS). Identifiers: MedGen C0023976, MeSH D008133, MONDO:0002442. Disease mechanism: loss of function. Inheritance: Various modes of inheritance.

Submission:

Labcorp Genetics (formerly Invitae), Labcorp
Classification: Pathogenic for Long QT syndrome. Last evaluated: 2024-04-25. Review status: criteria provided, single submitter. Criteria: Invitae Variant Classification Sherloc (09022015). Collection method: clinical testing. Allele origin: germline.
Comment: This sequence change creates a premature translational stop signal (p.Arg24Profs*63) in the KCNQ1 gene. It is expected to result in an absent or disrupted protein product. Loss-of-function variants in KCNQ1 are known to be pathogenic (PMID: 9323054, 19862833). This variant is not present in population databases (gnomAD no frequency). This variant has not been reported in the literature in individuals affected with KCNQ1-related conditions. For these reasons, this variant has been classified as Pathogenic.

Literature cited by the submitters: PubMed 9323054; PubMed 19862833.

NM_000218.3(KCNQ1):c.67_68dup (p.Arg24fs)

Gene: KCNQ1 (potassium voltage-gated channel subfamily Q member 1; plus strand). Cytogenetic location: 11p15.5.
Variant type: Microsatellite.
Coding change: c.67_68dup on transcript NM_000218.3 (MANE Select); coding-DNA positions 67 to 68, 2 bases duplicated (GC; older notation c.67_68dupGC).
Protein change: p.Arg24fs; shifts the reading frame from arginine 24.
Molecular consequence: frameshift variant. On other transcripts: 5 prime UTR variant (1).
Genome position (GRCh38, 1-based): chr11:2,445,165-2,445,166, GC duplicated; duplicating any 2 consecutive bases within chr11:2,445,163-2,445,166 gives the same sequence; the c. name uses the placement nearest the transcript's 3' end. VCF-style (leftmost placement, unchanged base first): chr11-2445162-G-GGC. GRCh37 (hg19) VCF-style: chr11-2466392-G-GGC.
Other names: c.67_68dup, p.Arg24fs (NM_001406836.1, NM_001406838.1); c.-298GC[3] (NM_001406837.1); short protein forms R24fs.
Identifiers: ClinVar variation 3648787 (VCV003648787.2).
Genomic context (GRCh38, chr11:2,445,162, plus strand): 5'-GCCGCGGCCTCCTCCCCGCCCAGGGCCGAGAGGAAGCGCTGGGGTTGGGGCCGCCTGCCA[G>GGC]GCGCCCGGCGGGGCAGCGCGGGCCTGGCCAAGAAGTGCCCCTTCTCGCTGGAGCTGGCGG-3'